The following is an entry in ClinVar:

NM_005732.4(RAD50):c.3581C>T (p.Ala1194Val)

Genes: TH2-LCR (Th2 cytokine locus control region; plus strand), RAD50 (RAD50 double strand break repair protein; plus strand), TH2LCRR (T helper type 2 locus control region associated RNA; minus strand). Cytogenetic location: 5q31.1.
Variant type: single nucleotide variant.
Coding change: c.3581C>T on transcript NM_005732.4 (MANE Select); coding-DNA position 3581, C replaced by T.
Protein change: p.Ala1194Val; replaces alanine 1194 with valine.
Molecular consequence: missense variant. On other transcripts: non-coding transcript variant (3).
Genome position (GRCh38, 1-based): chr5:132,638,186, C>T. VCF-style: chr5-132638186-C-T. GRCh37 (hg19) VCF-style: chr5-131973878-C-T.
Other names: short protein forms A1194V.
Identifiers: ClinVar variation 1732901 (VCV001732901.7), dbSNP rs2149863634, ClinGen allele CA360932183.
Genomic context (GRCh38, chr5:132,638,186, plus strand): 5'-CAGCTTCTGATAAAAGGCGGAATTATAACTACCGAGTGGTGATGCTGAAGGGAGACACAG[C>T]CTTGGATATGCGAGGACGATGCAGTGCTGGACAAAAGGCAGGTATCTCAAAAGCCTGGGG-3'
Protein context (NP_005723.2, residues 1184-1204): YRVVMLKGDT[Ala1194Val]LDMRGRCSAG

ClinVar aggregate classification (germline): Uncertain significance. Review status: criteria provided, multiple submitters, no conflicts (2 of 4 stars). 2 submissions from 2 submitters: Uncertain significance (2). Last evaluated 2022-04-28.

Conditions:
Hereditary cancer-predisposing syndrome. Also called: Neoplastic Syndromes, Hereditary; Tumor predisposition; Hereditary Cancer Syndrome; Hereditary neoplastic syndrome. Identifiers: Orphanet 140162, MedGen C0027672, MeSH D009386, MONDO:0015356.

Submissions (2):

Labcorp Genetics (formerly Invitae), Labcorp
Classification: Uncertain significance for Hereditary cancer-predisposing syndrome. Last evaluated: 2022-04-28. Review status: criteria provided, single submitter. Criteria: Invitae Variant Classification Sherloc (09022015). Collection method: clinical testing. Allele origin: germline.
Comment: This sequence change replaces alanine, which is neutral and non-polar, with valine, which is neutral and non-polar, at codon 1194 of the RAD50 protein (p.Ala1194Val). This variant is not present in population databases (gnomAD no frequency). This variant has not been reported in the literature in individuals affected with RAD50-related conditions. Algorithms developed to predict the effect of missense changes on protein structure and function (SIFT, PolyPhen-2, Align-GVGD) all suggest that this variant is likely to be tolerated. In summary, the available evidence is currently insufficient to determine the role of this variant in disease. Therefore, it has been classified as a Variant of Uncertain Significance.

Ambry Genetics
Classification: Uncertain significance for Hereditary cancer-predisposing syndrome. Last evaluated: 2021-10-21. Review status: criteria provided, single submitter. Criteria: Ambry Variant Classification Scheme 2023. Collection method: clinical testing. Allele origin: germline.
Comment: The p.A1194V variant (also known as c.3581C>T), located in coding exon 23 of the RAD50 gene, results from a C to T substitution at nucleotide position 3581. The alanine at codon 1194 is replaced by valine, an amino acid with similar properties. This amino acid position is conserved. In addition, this alteration is predicted to be tolerated by in silico analysis. Since supporting evidence is limited at this time, the clinical significance of this alteration remains unclear.